The following is an entry in ClinVar:

ClinVar aggregate classification (germline): Benign. Review status: criteria provided, multiple submitters, no conflicts (2 of 4 stars). 2 submissions from 2 submitters: Benign (2). Last evaluated 2016-03-29.

Allele frequency attached by ClinVar (database versions not stated): ESP Exome Variant Server 0.00981; gnomAD exomes 0.01150 and 0.02036; TOPMed 0.01357; gnomAD 0.01556 and 0.01658; ExAC 0.02033; 1000 Genomes Project 30x 0.03701; 1000 Genomes Project 0.03854.

Submissions (2):

Laboratory for Molecular Medicine, Mass General Brigham Personalized Medicine
Classification: Benign. Last evaluated: 2016-03-29. Review status: criteria provided, single submitter. Criteria: LMM Criteria. Collection method: clinical testing. Allele origin: germline.
Comment: Variant identified in a genome or exome case(s) and assessed due to predicted null impact of the variant or pathogenic assertions in the literature or databases. Disclaimer: This variant has not undergone full assessment. The following are preliminary notes: Frequency

Breakthrough Genomics
Classification: Benign. Review status: criteria provided, single submitter. Criteria: ACMG Guidelines, 2015. Collection method: not provided. Allele origin: germline. Inheritance: Unknown mechanism. Affected: yes.

NM_001378213.1(BCL9L):c.1272C>T (p.Ser424=)

Gene: BCL9L (BCL9 like; minus strand). Cytogenetic location: 11q23.3.
Variant type: single nucleotide variant.
Coding change: c.1272C>T on transcript NM_001378213.1 (MANE Select); coding-DNA position 1272, C replaced by T.
Protein change: p.Ser424=; no amino-acid change (serine 424 retained).
Molecular consequence: synonymous variant.
Genome position (GRCh38, 1-based): chr11:118,902,471, G>A on the plus strand (C>T on the coding strand, the complement: BCL9L is on the minus strand). VCF-style: chr11-118902471-G-A. GRCh37 (hg19) VCF-style: chr11-118773180-G-A.
Other names: c.1161C>T, p.Ser387= (NM_001378214.1); c.1272C>T, p.Ser424= (NM_182557.4).
Identifiers: ClinVar variation 402418 (VCV000402418.5), dbSNP rs75656086, ClinGen allele CA6309709.
Genomic context (GRCh38, chr11:118,902,471, plus strand): 5'-TGGTGGGCCCCCCTCACCCGCTCCTCCTGGGGGCCCCTTGAGGAAGGGCTCAGTCTCTCC[G>A]CTGCGGAGCAGCAGTCGCTCAATGTCTCGCAGCGTCTGGAGGGACCGTTCCCGATGCTCC-3'
Protein context (NP_001365142.1, residues 414-434): LRDIERLLLR[Ser424=]GETEPFLKGP